The following is an entry in ClinVar:

ClinVar aggregate classification (germline): Likely pathogenic (1 of 4 stars; one submission).

Conditions:
Neurofibromatosis, type 1 (NF1). Also called: NEUROFIBROMATOSIS, TYPE I, SOMATIC; VON RECKLINGHAUSEN DISEASE; Peripheral type neurofibromatosis; Neurofibromatosis, type I. Identifiers: Orphanet 636, MedGen C0027831, MONDO:0018975, OMIM 162200. Disease mechanism: loss of function.

Submission:

Labcorp Genetics (formerly Invitae), Labcorp
Classification: Likely pathogenic for Neurofibromatosis, type 1. Last evaluated: 2025-05-15. Review status: criteria provided, single submitter. Criteria: Invitae Variant Classification Sherloc (09022015). Collection method: clinical testing. Allele origin: germline.
Comment: This variant results in the deletion of part of exon 12 (c.1391_1392+1del) of the NF1 gene. It is expected to disrupt RNA splicing. Variants that disrupt the donor or acceptor splice site typically lead to a loss of protein function (PMID: 16199547), and loss-of-function variants in NF1 are known to be pathogenic (PMID: 10712197, 23913538). This variant is not present in population databases (gnomAD no frequency). This variant has not been reported in the literature in individuals affected with NF1-related conditions. In summary, the currently available evidence indicates that the variant is pathogenic, but additional data are needed to prove that conclusively. Therefore, this variant has been classified as Likely Pathogenic.

Literature cited by the submitters: PubMed 16199547; PubMed 10712197; PubMed 23913538.

NM_001042492.3(NF1):c.1391_1392+1del

Gene: NF1 (neurofibromin 1; plus strand). Cytogenetic location: 17q11.2.
Variant type: Deletion.
Coding change: c.1391_1392+1del on transcript NM_001042492.3 (MANE Select); coding-DNA position 1391 through the canonical splice donor site of the intron after coding-DNA position 1392, 3 bases deleted (CGG; older notation c.1391_1392+1delCGG).
Molecular consequence: splice donor variant.
Genome position (GRCh38, 1-based): chr17:31,206,370-31,206,372, CGG deleted. VCF-style (leftmost placement, unchanged base first): chr17-31206369-CCGG-C. GRCh37 (hg19) VCF-style: chr17-29533387-CCGG-C.
Other names: c.1391_1392+1del (NM_000267.4, NM_001128147.3).
Identifiers: ClinVar variation 4719637 (VCV004719637.1).